The following is an entry in ClinVar:

NM_054012.4(ASS1):c.1128-1del

Gene: ASS1 (argininosuccinate synthase 1; plus strand). Cytogenetic location: 9q34.11.
Variant type: Deletion.
Coding change: c.1128-1del on transcript NM_054012.4 (MANE Select); the canonical splice acceptor site of the intron before coding-DNA position 1128, one base deleted (G; older notation c.1128-1delG).
Molecular consequence: splice acceptor variant.
Genome position (GRCh38, 1-based): chr9:130,499,504, G deleted. VCF-style (leftmost placement, unchanged base first): chr9-130499503-AG-A. GRCh37 (hg19) VCF-style: chr9-133374890-AG-A.
Other names: c.1128-1del (NM_000050.4).
Identifiers: ClinVar variation 3075874 (VCV003075874.1), dbSNP rs2490631214, ClinGen allele CA2825001609.
Genomic context (GRCh38, chr9:130,499,503, plus strand): 5'-GTCCTCCCTTCAAGCAGAGGCCAGGGCCAGGCTGAGCTGACAAGCTTCTACTCTCCTTGC[AG>A]CATGAACGTGCAGGGTGATTATGAGCCAACTGATGCCACCGGGTTCATCAACATCAATTC-3'

ClinVar aggregate classification (germline): Likely pathogenic (1 of 4 stars; one submission).

Conditions:
Citrullinemia type I (CTNL1). Also called: ASS DEFICIENCY; argininosuccinate synthetase deficiency. Identifiers: Orphanet 247525, MedGen C4721769, MONDO:0008988, OMIM 215700.

Submission:

Laboratory for Molecular Medicine, Mass General Brigham Personalized Medicine
Classification: Likely pathogenic for Citrullinemia type I. Last evaluated: 2022-08-26. Review status: criteria provided, single submitter. Criteria: ACMG Guidelines, 2015. Collection method: clinical testing. Allele origin: germline.
Comment: The c.1128-1delG in ASS1 has been not been previoulsy reported in individuals with citrullinemia and was absent from large population databases. This variant occurs within the canonical splice site (+/- 1,2) and is predicted to cause altered splicing leading to an abnormal or absent protein. Loss of function of the ASS1 gene is an established disease mechanism in autosomal recessive citrullinemia. In summary, although additional studies are required to fully establish its clinical significance, this variant meets criteria to be classified as likely pathogenic for autosomal recessive citrullinemia. ACMG/AMP criteria applied: PVS1, PM2_Supporting.